The following is an entry in ClinVar:

NM_022041.4(GAN):c.846G>C (p.Glu282Asp)

Gene: GAN (gigaxonin; plus strand). Cytogenetic location: 16q23.2.
Variant type: single nucleotide variant.
Coding change: c.846G>C on transcript NM_022041.4 (MANE Select); coding-DNA position 846, G replaced by C.
Protein change: p.Glu282Asp; replaces glutamic acid 282 with aspartic acid.
Molecular consequence: missense variant.
Genome position (GRCh38, 1-based): chr16:81,356,997, G>C. VCF-style: chr16-81356997-G-C. GRCh37 (hg19) VCF-style: chr16-81390602-G-C.
Other names: p.Glu282Asp; c.207G>C, p.Glu69Asp (NM_001377486.1); short protein forms E69D, E282D.
Identifiers: ClinVar variation 838489 (VCV000838489.8), dbSNP rs778114770, ClinGen allele CA284305144.

ClinVar aggregate classification (germline): Uncertain significance. Review status: criteria provided, multiple submitters, no conflicts (2 of 4 stars). 3 submissions from 3 submitters: Uncertain significance (3). Last evaluated 2025-07-30.

Conditions:
Giant axonal neuropathy 1 (GAN1). Also called: GAN-Related Neurodegeneration; GIANT AXONAL NEUROPATHY 1, AUTOSOMAL RECESSIVE. Identifiers: Orphanet 643, MedGen C1850386, MONDO:0009749, OMIM 256850.
Inborn genetic diseases. Identifiers: MedGen C0950123, MeSH D030342.

Allele frequency attached by ClinVar (database versions not stated): TOPMed 0.00006; gnomAD 0.00007.
gnomAD v4.1: 20 of 1,593,388 alleles (0.0013%); highest among the groups gnomAD compares: African/African-American, 0.019%; no homozygotes.

Submissions (3):

Mayo Clinic Laboratories, Mayo Clinic
Classification: Uncertain significance. Last evaluated: 2025-07-30. Review status: criteria provided, single submitter. Criteria: ACMG Guidelines, 2015. Collection method: clinical testing. Allele origin: germline. Observed: 1 variant allele.
Comment: BP4, PM2_supporting

Ambry Genetics
Classification: Uncertain significance for Inborn genetic diseases. Last evaluated: 2023-10-20. Review status: criteria provided, single submitter. Criteria: Ambry Variant Classification Scheme 2023. Collection method: clinical testing. Allele origin: germline.

Labcorp Genetics (formerly Invitae), Labcorp
Classification: Uncertain significance for Giant axonal neuropathy 1. Last evaluated: 2021-08-24. Review status: criteria provided, single submitter. Criteria: Invitae Variant Classification Sherloc (09022015). Collection method: clinical testing. Allele origin: germline.
Comment: This sequence change replaces glutamic acid with aspartic acid at codon 282 of the GAN protein (p.Glu282Asp). The glutamic acid residue is highly conserved and there is a small physicochemical difference between glutamic acid and aspartic acid. This variant is not present in population databases (ExAC no frequency). This variant has not been reported in the literature in individuals affected with GAN-related conditions. Algorithms developed to predict the effect of missense changes on protein structure and function (SIFT, PolyPhen-2, Align-GVGD) all suggest that this variant is likely to be tolerated. In summary, the available evidence is currently insufficient to determine the role of this variant in disease. Therefore, it has been classified as a Variant of Uncertain Significance.